The following is an entry in ClinVar:

NM_001754.5(RUNX1):c.485G>C (p.Arg162Thr)

Genes: RUNX1 (RUNX family transcription factor 1; minus strand), RUNX1-AS1 (RUNX1 antisense RNA 1; plus strand). Cytogenetic location: 21q22.12.
Variant type: single nucleotide variant.
Coding change: c.485G>C on transcript NM_001754.5 (MANE Select); coding-DNA position 485, G replaced by C.
Protein change: p.Arg162Thr; replaces arginine 162 with threonine.
Molecular consequence: missense variant.
Genome position (GRCh38, 1-based): chr21:34,880,580, C>G on the plus strand (G>C on the coding strand, the complement: RUNX1 is on the minus strand). VCF-style: chr21-34880580-C-G. GRCh37 (hg19) VCF-style: chr21-36252877-C-G.
Other names: NM_001754.5(RUNX1):c.485G>C; p.Arg162Thr; c.404G>C, p.Arg135Thr (NM_001001890.3, NM_001122607.2); short protein forms R162T, R135T.
Identifiers: ClinVar variation 3656666 (VCV003656666.4).

ClinVar aggregate classification (germline): Likely pathogenic. Review status: reviewed by expert panel (3 of 4 stars). 2 submissions from 2 submitters: Likely pathogenic (1). 1 of the submissions does not count toward it. Last evaluated 2026-10-05.

Conditions:
Hereditary thrombocytopenia and hematological cancer predisposition syndrome associated with RUNX1. Also called: PLATELET DISORDER, ASPIRIN-LIKE; Familial Platelet Disorder with Propensity to Acute Myelogenous Leukemia; Familial thrombocytopenia with propensity to acute myelogenous leukemia; RUNX1 Familial Platelet Disorder with Associated Myeloid Malignancies. Identifiers: Orphanet 71290, MedGen C1832388, MeSH C563324, MONDO:0100083, OMIM 601399.
Hereditary thrombocytopenia and hematologic cancer predisposition syndrome. Identifiers: Orphanet 71290, MedGen CN281654, MONDO:0011071.

Submissions (2):

ClinGen Myeloid Malignancy Variant Curation Expert Panel
Classification: Likely pathogenic for Hereditary thrombocytopenia and hematologic cancer predisposition syndrome. Last evaluated: 2026-10-05. Review status: reviewed by expert panel. Criteria: ClinGen MyeloMalig ACMG Specifications V3.1. Collection method: curation. Allele origin: germline. Inheritance: Autosomal dominant inheritance.
Comment: NM_001754.5(RUNX1):c.485G>C (p.Arg162Thr) is a missense variant which affects one of the hotspot residues (Arg162) within the RHD (amino acids 89-204; PM1_Strong). This variant has a REVEL score ≥ 0.88 (0.96) (PP3) and is completely absent from all population databases with at least 20x coverage for RUNX1 (PM2_Supporting). In summary, this variant meets the criteria to be classified as likely pathogenic. ACMG/AMP criteria applied, as specified by the Myeloid Malignancy Variant Curation Expert Panel for RUNX1: PM1_Strong, PP3, PM2_Supporting.

Labcorp Genetics (formerly Invitae), Labcorp
Classification: Uncertain significance for Hereditary thrombocytopenia and hematological cancer predisposition syndrome associated with RUNX1. Last evaluated: 2024-08-10. Review status: criteria provided, single submitter. Criteria: Invitae Variant Classification Sherloc (09022015). Collection method: clinical testing. Allele origin: germline. Not counted in ClinVar's aggregate classification.
Comment: This sequence change replaces arginine, which is basic and polar, with threonine, which is neutral and polar, at codon 162 of the RUNX1 protein (p.Arg162Thr). This variant is not present in population databases (gnomAD no frequency). This variant has not been reported in the literature in individuals affected with RUNX1-related conditions. Advanced modeling of protein sequence and biophysical properties (such as structural, functional, and spatial information, amino acid conservation, physicochemical variation, residue mobility, and thermodynamic stability) performed at Invitae indicates that this missense variant is expected to disrupt RUNX1 protein function with a positive predictive value of 80%. In summary, the available evidence is currently insufficient to determine the role of this variant in disease. Therefore, it has been classified as a Variant of Uncertain Significance.